The following is an entry in ClinVar:

ClinVar aggregate classification (germline): Uncertain significance (1 of 4 stars; one submission).

Conditions:
Nemaline myopathy 2 (NEM2). Also called: Nemaline myopathy 2, autosomal recessive. Identifiers: MedGen C1850569, MONDO:0009725, OMIM 256030.

Allele frequency attached by ClinVar (database versions not stated): TOPMed below 0.00001; ExAC 0.00001; gnomAD 0.00001.

Submission:

Labcorp Genetics (formerly Invitae), Labcorp
Classification: Uncertain significance for Nemaline myopathy 2. Last evaluated: 2021-11-30. Review status: criteria provided, single submitter. Criteria: Invitae Variant Classification Sherloc (09022015). Collection method: clinical testing. Allele origin: germline.
Comment: In summary, the available evidence is currently insufficient to determine the role of this variant in disease. Therefore, it has been classified as a Variant of Uncertain Significance. Algorithms developed to predict the effect of sequence changes on RNA splicing suggest that this variant may disrupt the consensus splice site. Algorithms developed to predict the effect of missense changes on protein structure and function are either unavailable or do not agree on the potential impact of this missense change (SIFT: "Deleterious"; PolyPhen-2: "Not Available"; Align-GVGD: "Class C0"). This variant has not been reported in the literature in individuals affected with NEB-related conditions. This variant is not present in population databases (gnomAD no frequency). This sequence change replaces glutamine, which is neutral and polar, with arginine, which is basic and polar, at codon 2269 of the NEB protein (p.Gln2269Arg).

NM_001164508.2(NEB):c.6806A>G (p.Gln2269Arg)

Gene: NEB (nebulin; minus strand). Cytogenetic location: 2q23.3.
Variant type: single nucleotide variant.
Coding change: c.6806A>G on transcript NM_001164508.2 (MANE Select); coding-DNA position 6806, A replaced by G.
Protein change: p.Gln2269Arg; replaces glutamine 2269 with arginine.
Molecular consequence: missense variant.
Genome position (GRCh38, 1-based): chr2:151,655,271, T>C on the plus strand (A>G on the coding strand, the complement: NEB is on the minus strand). VCF-style: chr2-151655271-T-C. GRCh37 (hg19) VCF-style: chr2-152511785-T-C.
Other names: c.6806A>G, p.Gln2269Arg (NM_001164507.2, NM_001271208.2, NM_004543.5); short protein forms Q2269R.
Identifiers: ClinVar variation 1491744 (VCV001491744.6), dbSNP rs768068829, ClinGen allele CA1910004.